The following is an entry in ClinVar:

ClinVar aggregate classification (germline): Uncertain significance (1 of 4 stars; one submission).

Submission:

Greenwood Genetic Center Diagnostic Laboratories, Greenwood Genetic Center
Classification: Uncertain significance. Last evaluated: 2025-06-12. Review status: criteria provided, single submitter. Criteria: ACMG Guidelines, 2015. Collection method: clinical testing. Allele origin: germline. Affected: yes.
Comment: PM2

NM_002972.4(SBF1):c.873_874delinsGC (p.Phe292Leu)

Gene: SBF1 (SET binding factor 1; minus strand). Cytogenetic location: 22q13.33.
Variant type: Indel.
Coding change: c.873_874delinsGC on transcript NM_002972.4 (MANE Select); coding-DNA positions 873 to 874, CT replaced by GC.
Protein change: p.Phe292Leu; replaces phenylalanine 292 with leucine.
Molecular consequence: missense variant.
Genome position (GRCh38, 1-based): chr22:50,466,173-50,466,174, AG replaced by GC on the plus strand (CT replaced by GC on the coding strand, the reverse complement: SBF1 is on the minus strand). VCF-style: chr22-50466173-AG-GC. GRCh37 (hg19) VCF-style: chr22-50904602-AG-GC.
Other names: c.876_877delinsGC, p.Phe293Leu (NM_001365819.1, NM_001410794.1); c.873_874delinsGC, p.Phe292Leu (NM_001410795.1); short protein forms F292L, F293L.
Identifiers: ClinVar variation 4538305 (VCV004538305.1).